The following is an entry in ClinVar:

ClinVar aggregate classification (germline): Uncertain significance (1 of 4 stars; one submission).

Conditions:
Rhabdoid tumor predisposition syndrome 2 (RTPS2). Identifiers: Orphanet 231108, Orphanet 69077, MedGen C2750074, MONDO:0013224, OMIM 613325.

Submission:

Labcorp Genetics (formerly Invitae), Labcorp
Classification: Uncertain significance for Rhabdoid tumor predisposition syndrome 2. Last evaluated: 2024-10-08. Review status: criteria provided, single submitter. Criteria: Invitae Variant Classification Sherloc (09022015). Collection method: clinical testing. Allele origin: germline.
Comment: This sequence change replaces alanine, which is neutral and non-polar, with threonine, which is neutral and polar, at codon 321 of the SMARCA4 protein (p.Ala321Thr). Information on the frequency of this variant in the gnomAD database is not available, as this variant may be reported differently in the database. This variant has not been reported in the literature in individuals affected with SMARCA4-related conditions. ClinVar contains an entry for this variant (Variation ID: 1380480). Experimental studies and prediction algorithms are not available or were not evaluated, and the functional significance of this variant is currently unknown. In summary, the available evidence is currently insufficient to determine the role of this variant in disease. Therefore, it has been classified as a Variant of Uncertain Significance.

NM_003072.5(SMARCA4):c.960_961delinsAA (p.Ala321Thr)

Gene: SMARCA4 (SWI/SNF related BAF chromatin remodeling complex subunit ATPase 4; plus strand). Cytogenetic location: 19p13.2.
Variant type: Indel.
Coding change: c.960_961delinsAA on transcript NM_003072.5 (MANE Select); coding-DNA positions 960 to 961, CG replaced by AA.
Protein change: p.Ala321Thr; replaces alanine 321 with threonine.
Molecular consequence: missense variant. On other transcripts: non-coding transcript variant (1).
Genome position (GRCh38, 1-based): chr19:10,987,766-10,987,767, CG replaced by AA. VCF-style: chr19-10987766-CG-AA. GRCh37 (hg19) VCF-style: chr19-11098442-CG-AA.
Other names: c.960_961delinsAA, p.Ala321Thr (NM_001128844.3, NM_001128845.2, NM_001128846.2 and 5 more transcripts); short protein forms A321T.
Identifiers: ClinVar variation 1380480 (VCV001380480.6), dbSNP rs2145817552, ClinGen allele CA2573155580.